The following is an entry in ClinVar:

ClinVar aggregate classification (germline): Uncertain significance (1 of 4 stars; one submission).

Conditions:
Hereditary cancer-predisposing syndrome. Also called: Hereditary Cancer Syndrome; Neoplastic Syndromes, Hereditary; Tumor predisposition; Hereditary neoplastic syndrome. Identifiers: Orphanet 140162, MedGen C0027672, MeSH D009386, MONDO:0015356.

Submission:

Ambry Genetics
Classification: Uncertain significance for Hereditary cancer-predisposing syndrome. Last evaluated: 2025-12-01. Review status: criteria provided, single submitter. Criteria: Ambry Variant Classification Scheme 2023. Collection method: clinical testing. Allele origin: germline.
Comment: The p.T2264A variant (also known as c.6790A>G), located in coding exon 45 of the ATM gene, results from an A to G substitution at nucleotide position 6790. The threonine at codon 2264 is replaced by alanine, an amino acid with similar properties. This amino acid position is conserved. In addition, this alteration is predicted to be tolerated by in silico analysis. Based on the available evidence, the clinical significance of this variant remains unclear.

NM_000051.4(ATM):c.6790A>G (p.Thr2264Ala)

Genes: ATM (ATM serine/threonine kinase; plus strand), C11orf65 (chromosome 11 open reading frame 65; minus strand). Cytogenetic location: 11q22.3.
Variant type: single nucleotide variant.
Coding change: c.6790A>G on transcript NM_000051.4 (MANE Select); coding-DNA position 6790, A replaced by G.
Protein change: p.Thr2264Ala; replaces threonine 2264 with alanine.
Molecular consequence: missense variant. On other transcripts: intron variant (2).
Genome position (GRCh38, 1-based): chr11:108,325,527, A>G. VCF-style: chr11-108325527-A-G. GRCh37 (hg19) VCF-style: chr11-108196254-A-G.
Other names: c.6790A>G, p.Thr2264Ala (NM_001351834.2); c.641-16456T>C (NM_001330368.2); c.*38+9693T>C (NM_001351110.2); short protein forms T2264A.
Identifiers: ClinVar variation 4618668 (VCV004618668.1).